The following is an entry in ClinVar:

NM_021252.5(RAB18):c.230A>G (p.Tyr77Cys)

Gene: RAB18 (RAB18, member RAS oncogene family; plus strand). Cytogenetic location: 10p12.1.
Variant type: single nucleotide variant.
Coding change: c.230A>G on transcript NM_021252.5 (MANE Select); coding-DNA position 230, A replaced by G.
Protein change: p.Tyr77Cys; replaces tyrosine 77 with cysteine.
Molecular consequence: missense variant. On other transcripts: non-coding transcript variant (1), intron variant (1).
Genome position (GRCh38, 1-based): chr10:27,532,550, A>G. VCF-style: chr10-27532550-A-G. GRCh37 (hg19) VCF-style: chr10-27821479-A-G.
Other names: c.317A>G, p.Tyr106Cys (NM_001256410.2); c.230A>G, p.Tyr77Cys (NM_001256411.2); c.187-1378A>G (NM_001256412.2); short protein forms Y106C, Y77C.
Identifiers: ClinVar variation 2860337 (VCV002860337.3), dbSNP rs763362656, ClinGen allele CA5452320.

ClinVar aggregate classification (germline): Uncertain significance (1 of 4 stars; one submission).

Allele frequency attached by ClinVar (database versions not stated): gnomAD exomes below 0.00001; ExAC 0.00001.
gnomAD v4.1: 3 of 1,604,326 alleles (0.00019%); highest among the groups gnomAD compares: South Asian, 0.0011%; no homozygotes.

Submission:

Labcorp Genetics (formerly Invitae), Labcorp
Classification: Uncertain significance. Last evaluated: 2025-03-17. Review status: criteria provided, single submitter. Criteria: Invitae Variant Classification Sherloc (09022015). Collection method: clinical testing. Allele origin: germline.
Comment: This sequence change replaces tyrosine, which is neutral and polar, with cysteine, which is neutral and slightly polar, at codon 77 of the RAB18 protein (p.Tyr77Cys). This variant is present in population databases (rs763362656, gnomAD 0.003%). This variant has not been reported in the literature in individuals affected with RAB18-related conditions. ClinVar contains an entry for this variant (Variation ID: 2860337). Invitae Evidence Modeling of protein sequence and biophysical properties (such as structural, functional, and spatial information, amino acid conservation, physicochemical variation, residue mobility, and thermodynamic stability) indicates that this missense variant is expected to disrupt RAB18 protein function with a positive predictive value of 95%. In summary, the available evidence is currently insufficient to determine the role of this variant in disease. Therefore, it has been classified as a Variant of Uncertain Significance.